The following is an entry in ClinVar:

ClinVar aggregate classification (germline): Uncertain significance. Review status: criteria provided, multiple submitters, no conflicts (2 of 4 stars). 2 submissions from 2 submitters: Uncertain significance (2). Last evaluated 2024-07-29.

Conditions:
Junctional epidermolysis bullosa with pyloric atresia. Also called: Epidermolysis bullosa, junctional, with pyloric atresia and aplasia cutis congenita; Epidermolysis bullosa junctionalis with pyloric atresia; APLASIA CUTIS CONGENITA WITH GASTROINTESTINAL ATRESIA; CARMI SYNDROME; EB-PA-ACC; EPIDERMOLYSIS BULLOSA, JUNCTIONAL 5B, WITH PYLORIC ATRESIA. Identifiers: Orphanet 79403, MedGen C5676875, MONDO:0009183, OMIM 226730.
Epidermolysis bullosa, junctional 5A, intermediate. Also called: EPIDERMOLYSIS BULLOSA, JUNCTIONAL 5A, GENERALIZED INTERMEDIATE; EPIDERMOLYSIS BULLOSA, JUNCTIONAL 5A, NON-HERLITZ TYPE. Identifiers: MedGen C5676956, MONDO:0030768, OMIM 619816.

Allele frequency attached by ClinVar (database versions not stated): gnomAD 0.00001; gnomAD exomes 0.00001 and 0.00003; TOPMed 0.00001; ExAC 0.00002.
gnomAD v4.1: 15 of 1,613,456 alleles (0.00093%); highest among the groups gnomAD compares: East Asian, 0.0045%; no homozygotes.

Submissions (2):

Labcorp Genetics (formerly Invitae), Labcorp
Classification: Uncertain significance. Last evaluated: 2024-07-29. Review status: criteria provided, single submitter. Criteria: Invitae Variant Classification Sherloc (09022015). Collection method: clinical testing. Allele origin: germline.
Comment: This sequence change replaces aspartic acid, which is acidic and polar, with asparagine, which is neutral and polar, at codon 1191 of the ITGB4 protein (p.Asp1191Asn). This variant is present in population databases (rs765676725, gnomAD 0.02%). This variant has not been reported in the literature in individuals affected with ITGB4-related conditions. ClinVar contains an entry for this variant (Variation ID: 1410417). Advanced modeling of protein sequence and biophysical properties (such as structural, functional, and spatial information, amino acid conservation, physicochemical variation, residue mobility, and thermodynamic stability) performed at Invitae indicates that this missense variant is not expected to disrupt ITGB4 protein function with a negative predictive value of 80%. In summary, the available evidence is currently insufficient to determine the role of this variant in disease. Therefore, it has been classified as a Variant of Uncertain Significance.

Fulgent Genetics
Classification: Uncertain significance for Junctional epidermolysis bullosa with pyloric atresia; Epidermolysis bullosa, junctional 5A, intermediate. Last evaluated: 2022-01-10. Review status: criteria provided, single submitter. Criteria: ACMG Guidelines, 2015. Collection method: clinical testing. Allele origin: unknown.

NM_000213.5(ITGB4):c.3571G>A (p.Asp1191Asn)

Gene: ITGB4 (integrin subunit beta 4; plus strand). Cytogenetic location: 17q25.1.
Variant type: single nucleotide variant.
Coding change: c.3571G>A on transcript NM_000213.5 (MANE Select); coding-DNA position 3571, G replaced by A.
Protein change: p.Asp1191Asn; replaces aspartic acid 1191 with asparagine.
Molecular consequence: missense variant.
Genome position (GRCh38, 1-based): chr17:75,750,776, G>A. VCF-style: chr17-75750776-G-A. GRCh37 (hg19) VCF-style: chr17-73746857-G-A.
Other names: c.3571G>A, p.Asp1191Asn (NM_001321123.2, NM_001005619.2, NM_001005731.3); short protein forms D1191N.
Identifiers: ClinVar variation 1410417 (VCV001410417.6), dbSNP rs765676725, ClinGen allele CA8769869.